The following is an entry in ClinVar:

ClinVar aggregate classification (germline): Uncertain significance (1 of 4 stars; one submission).

Conditions:
Hypertrophic cardiomyopathy. Also called: HYPERTROPHIC MYOCARDIOPATHY. Identifiers: Orphanet 217569, MedGen C0007194, MeSH D002312, MONDO:0005045, HP:0001639.

Submission:

All of Us Research Program, National Institutes of Health
Classification: Uncertain significance for Hypertrophic cardiomyopathy. Last evaluated: 2024-03-24. Review status: criteria provided, single submitter. Criteria: ACMG Guidelines, 2015. Collection method: clinical testing. Allele origin: germline. Inheritance: Autosomal dominant inheritance. Observed: 2 variant alleles, 2 heterozygotes.
Comment: This missense variant replaces proline with alanine at codon 656 of the MYBPC3 protein. Computational prediction suggests that this variant may not impact protein structure and function (internally defined REVEL score threshold <= 0.5, PMID: 27666373). To our knowledge, functional studies have not been reported for this variant. This variant has not been reported in individuals affected with MYBPC3-related disorders in the literature. This variant has not been identified in the general population by the Genome Aggregation Database (gnomAD). The available evidence is insufficient to determine the role of this variant in disease conclusively. Therefore, this variant is classified as a Variant of Uncertain Significance.

This study involves interpretation of variants in research participants for the purpose of population health screening. Participant phenotype was not available at the time of variant classification. Additional details can be found in publication PMID: 35346344, PMCID: PMC8962531

NM_000256.3(MYBPC3):c.1966C>G (p.Pro656Ala)

Gene: MYBPC3 (myosin binding protein C3; minus strand). Cytogenetic location: 11p11.2.
Variant type: single nucleotide variant.
Coding change: c.1966C>G on transcript NM_000256.3 (MANE Select); coding-DNA position 1966, C replaced by G.
Protein change: p.Pro656Ala; replaces proline 656 with alanine.
Molecular consequence: missense variant.
Genome position (GRCh38, 1-based): chr11:47,339,752, G>C on the plus strand (C>G on the coding strand, the complement: MYBPC3 is on the minus strand). VCF-style: chr11-47339752-G-C. GRCh37 (hg19) VCF-style: chr11-47361303-G-C.
Other names: short protein forms P656A.
Identifiers: ClinVar variation 3071060 (VCV003071060.2), dbSNP rs2495756405, ClinGen allele CA380321887.
Genomic context (GRCh38, chr11:47,339,752, plus strand): 5'-CCCCAGAGATAGGGACGTCCAGACGTAGCTTATTTCCAGCTACAACCACAATGGTGTCTG[G>C]TATGCGGCCTGGGCAGTCCAGGTGGATCTTGGGAGGTTCTGCAGAAGACACAATGTAGTT-3'
Protein context (NP_000247.2, residues 646-666): KIHLDCPGRI[Pro656Ala]DTIVVVAGNK